The following is an entry in ClinVar:

NM_016222.4(DDX41):c.1827C>T (p.Ile609=)

Gene: DDX41 (DEAD-box helicase 41; minus strand). Cytogenetic location: 5q35.3.
Variant type: single nucleotide variant.
Coding change: c.1827C>T on transcript NM_016222.4 (MANE Select); coding-DNA position 1827, C replaced by T.
Protein change: p.Ile609=; no amino-acid change (isoleucine 609 retained).
Molecular consequence: synonymous variant.
Genome position (GRCh38, 1-based): chr5:177,511,833, G>A on the plus strand (C>T on the coding strand, the complement: DDX41 is on the minus strand). VCF-style: chr5-177511833-G-A. GRCh37 (hg19) VCF-style: chr5-176938834-G-A.
Other names: c.1827C>T (NM_016222.2); c.1449C>T, p.Ile483= (NM_001321732.2, NM_001321830.2).
Identifiers: ClinVar variation 1337686 (VCV001337686.9), dbSNP rs771561040, ClinGen allele CA3584609.

ClinVar aggregate classification (germline): Likely benign. Review status: criteria provided, multiple submitters, no conflicts (2 of 4 stars). 4 submissions from 4 submitters: Likely benign (4). Last evaluated 2026-07-06.

Conditions:
DDX41-related disorder. Also called: DDX41-related condition.
Inborn genetic diseases. Identifiers: MedGen C0950123, MeSH D030342.

Allele frequency attached by ClinVar (database versions not stated): gnomAD 0.00005 and 0.00006.
gnomAD v4.1: 20 of 1,614,026 alleles (0.0012%); highest among the groups gnomAD compares: Admixed American, 0.025%; no homozygotes.

Submissions (4):

PreventionGenetics, part of Exact Sciences
Classification: Likely benign for DDX41-related condition. Last evaluated: 2026-07-06. Review status: criteria provided, single submitter. Criteria: ACMG Guidelines, 2015. Collection method: clinical testing. Allele origin: germline.
Comment: This variant is classified as likely benign based on ACMG/AMP sequence variant interpretation guidelines (Richards et al. 2015 PMID: 25741868, with internal and published modifications).

Labcorp Genetics (formerly Invitae), Labcorp
Classification: Likely benign. Last evaluated: 2025-11-03. Review status: criteria provided, single submitter. Criteria: Invitae Variant Classification Sherloc (09022015). Collection method: clinical testing. Allele origin: germline.

Ambry Genetics
Classification: Likely benign for Inborn genetic diseases. Last evaluated: 2024-11-28. Review status: criteria provided, single submitter. Criteria: Ambry Variant Classification Scheme 2023. Collection method: clinical testing. Allele origin: germline.

Genetic Services Laboratory, University of Chicago
Classification: Likely benign. Last evaluated: 2020-07-14. Review status: criteria provided, single submitter. Criteria: ACMG Guidelines, 2015. Collection method: clinical testing. Allele origin: germline. Affected: no.